The following is an entry in ClinVar:

NM_020041.3(SLC2A9):c.72C>G (p.Ala24=)

Genes: SLC2A9 (solute carrier family 2 member 9; minus strand), SLC2A9-AS3 (SLC2A9 antisense RNA 3; plus strand). Cytogenetic location: 4p16.1.
Variant type: single nucleotide variant.
Coding change: c.72C>G on transcript NM_020041.3 (MANE Select); coding-DNA position 72, C replaced by G.
Protein change: p.Ala24=; no amino-acid change (alanine 24 retained).
Molecular consequence: synonymous variant. On other transcripts: intron variant (1).
Genome position (GRCh38, 1-based): chr4:10,021,358, G>C on the plus strand (C>G on the coding strand, the complement: SLC2A9 is on the minus strand). VCF-style: chr4-10021358-G-C. GRCh37 (hg19) VCF-style: chr4-10022982-G-C.
Other names: c.64-2285C>G (NM_001001290.2).
Identifiers: ClinVar variation 4993271 (VCV004993271.1).

ClinVar aggregate classification (germline): Likely benign (1 of 4 stars; one submission).

Conditions:
SLC2A9-related disorder. Also called: SLC2A9-related condition.

gnomAD v4.1: 210 of 1,614,236 alleles (0.013%); highest among the groups gnomAD compares: African/African-American, 0.26%; 1 homozygote.

Submission:

PreventionGenetics, part of Exact Sciences
Classification: Likely benign for SLC2A9-related condition. Last evaluated: 2025-08-19. Review status: criteria provided, single submitter. Criteria: ACMG Guidelines, 2015. Collection method: clinical testing. Allele origin: germline.
Comment: This variant is classified as likely benign based on ACMG/AMP sequence variant interpretation guidelines (Richards et al. 2015 PMID: 25741868, with internal and published modifications).